The following is an entry in ClinVar:

NM_001110556.2(FLNA):c.4245C>A (p.Ile1415=)

Gene: FLNA (filamin A; minus strand). Cytogenetic location: Xq28.
Variant type: single nucleotide variant.
Coding change: c.4245C>A on transcript NM_001110556.2 (MANE Select); coding-DNA position 4245, C replaced by A.
Protein change: p.Ile1415=; no amino-acid change (isoleucine 1415 retained).
Molecular consequence: synonymous variant.
Genome position (GRCh38, 1-based): chrX:154,359,304, G>T on the plus strand (C>A on the coding strand, the complement: FLNA is on the minus strand). VCF-style: chrX-154359304-G-T. GRCh37 (hg19) VCF-style: chrX-153587672-G-T.
Other names: c.4245C>A, p.Ile1415= (NM_001456.4); c.4245C>A (NM_001110556.1).
Identifiers: ClinVar variation 978499 (VCV000978499.20), dbSNP rs782496836, ClinGen allele CA10560567.

ClinVar aggregate classification (germline): Likely benign. Review status: criteria provided, multiple submitters, no conflicts (2 of 4 stars). 5 submissions from 5 submitters: Likely benign (4). 1 of the submissions does not count toward it. Last evaluated 2026-03-01.

Conditions:
Familial thoracic aortic aneurysm and aortic dissection (TAAD). Also called: Thoracic aortic aneurysms and dissections. Identifiers: Orphanet 91387, MedGen C4707243, MONDO:0019625.
Oto-palato-digital syndrome, type II (OPD2). Also called: Otopalatodigital Syndrome, Type II; FACIOPALATOOSSEOUS SYNDROME; OPD II SYNDROME; Otopalatodigital Syndrome Type 2 (FLNA-OPD2). Identifiers: Orphanet 669, Orphanet 90652, MedGen C1844696, MONDO:0010571, OMIM 304120.
Frontometaphyseal dysplasia (FMD1). Identifiers: Orphanet 1826, MedGen C0265293, MONDO:0015942.
Heterotopia, periventricular, X-linked dominant (PVNH1). Also called: X-linked periventricular heterotopia; PERIVENTRICULAR NODULAR HETEROTOPIA 4; HETEROTOPIA, PERIVENTRICULAR, 1; PERIVENTRICULAR NODULAR HETEROTOPIA 1. Identifiers: Orphanet 2149, Orphanet 82004, MedGen C1848213, MONDO:0010233, OMIM 300049.
Melnick-Needles syndrome (MNS). Also called: MELNICK-NEEDLES OSTEODYSPLASTY; OSTEODYSPLASTY OF MELNICK AND NEEDLES; Melnick-Needles Syndrome (FLNA-MNS). Identifiers: Orphanet 2484, MedGen C0025237, MONDO:0010650, OMIM 309350.
FLNA-related disorder.

Allele frequency attached by ClinVar (database versions not stated): gnomAD exomes below 0.00001 and 0.00002; ExAC 0.00001; TOPMed 0.00065.

Submissions (5):

CeGaT Center for Human Genetics Tuebingen
Classification: Likely benign. Last evaluated: 2026-03-01. Review status: criteria provided, single submitter. Criteria: CeGaT Center For Human Genetics Tuebingen Variant Classification Criteria Version 2. Collection method: clinical testing. Allele origin: germline. Affected: yes. Observed: 1 variant allele.
Comment: FLNA: BP4, BP7

Labcorp Genetics (formerly Invitae), Labcorp
Classification: Likely benign for Oto-palato-digital syndrome, type II; Heterotopia, periventricular, X-linked dominant; Frontometaphyseal dysplasia; Melnick-Needles syndrome. Last evaluated: 2025-11-06. Review status: criteria provided, single submitter. Criteria: Invitae Variant Classification Sherloc (09022015). Collection method: clinical testing. Allele origin: germline.

Blueprint Genetics
Classification: Likely benign. Last evaluated: 2021-06-22. Review status: criteria provided, single submitter. Criteria: ACMG Guidelines, 2015. Collection method: clinical testing. Allele origin: germline.

Ambry Genetics
Classification: Likely benign for Familial thoracic aortic aneurysm and aortic dissection. Last evaluated: 2020-07-12. Review status: criteria provided, single submitter. Criteria: Ambry Variant Classification Scheme 2023. Collection method: clinical testing. Allele origin: germline.

PreventionGenetics, part of Exact Sciences
Classification: Likely benign for FLNA-related condition. Last evaluated: 2022-01-03. Review status: no assertion criteria provided. Collection method: clinical testing. Allele origin: germline. Not counted in ClinVar's aggregate classification.
Comment: This variant is classified as likely benign based on ACMG/AMP sequence variant interpretation guidelines (Richards et al. 2015 PMID: 25741868, with internal and published modifications).